The following is an entry in ClinVar:

NM_004168.4(SDHA):c.1795-6C>T

Gene: SDHA (succinate dehydrogenase complex flavoprotein subunit A; plus strand). Cytogenetic location: 5p15.33.
Variant type: single nucleotide variant.
Coding change: c.1795-6C>T on transcript NM_004168.4 (MANE Select); 6 bases into the intron before coding-DNA position 1795, C replaced by T.
Molecular consequence: intron variant.
Genome position (GRCh38, 1-based): chr5:254,387, C>T. VCF-style: chr5-254387-C-T. GRCh37 (hg19) VCF-style: chr5-254502-C-T.
Other names: c.1552-6C>T (NM_001330758.2); c.1651-6C>T (NM_001294332.2).
Identifiers: ClinVar variation 3904630 (VCV003904630.1).

ClinVar aggregate classification (germline): Likely benign (1 of 4 stars; one submission).

Conditions:
Pheochromocytoma/paraganglioma syndrome 5. Also called: Paragangliomas 5; SDHA-Related Hereditary Paraganglioma-Pheochromocytoma Syndrome. Identifiers: Orphanet 29072, MedGen C3279992, MONDO:0013602, OMIM 614165.

Submission:

Myriad Genetics, Inc.
Classification: Likely benign for Pheochromocytoma/paraganglioma syndrome 5. Last evaluated: 2025-03-11. Review status: criteria provided, single submitter. Criteria: Myriad Autosomal Dominant, Autosomal Recessive and X-Linked Classification Criteria (2023). Collection method: clinical testing. Allele origin: unknown.
Comment: This variant is considered likely benign. This variant is intronic and is not expected to impact mRNA splicing.